The following is an entry in ClinVar:

ClinVar aggregate classification (germline): Uncertain significance (1 of 4 stars; one submission).

Conditions:
Adams-Oliver syndrome 5 (AOS5). Identifiers: Orphanet 974, MedGen C4014970, MONDO:0014459, OMIM 616028.

Submission:

Labcorp Genetics (formerly Invitae), Labcorp
Classification: Uncertain significance for Adams-Oliver syndrome 5. Last evaluated: 2025-12-22. Review status: criteria provided, single submitter. Criteria: Invitae Variant Classification Sherloc (09022015). Collection method: clinical testing. Allele origin: germline.
Comment: This sequence change creates a premature translational stop signal (p.Gly2131Alafs*117) in the NOTCH1 gene. While this is not anticipated to result in nonsense mediated decay, it is expected to disrupt the last 425 amino acid(s) of the NOTCH1 protein. The frequency data for this variant in the population databases is considered unreliable, as metrics indicate poor data quality at this position in the gnomAD database. This variant has not been reported in the literature in individuals affected with NOTCH1-related conditions. ClinVar contains an entry for this variant (Variation ID: 2990497). In summary, the available evidence is currently insufficient to determine the role of this variant in disease. Therefore, it has been classified as a Variant of Uncertain Significance.

NM_017617.5(NOTCH1):c.6392del (p.Gly2131fs)

Gene: NOTCH1 (notch receptor 1; minus strand). Cytogenetic location: 9q34.3.
Variant type: Deletion.
Coding change: c.6392del on transcript NM_017617.5 (MANE Select); coding-DNA position 6392, one base deleted (G; older notation c.6392delG).
Protein change: p.Gly2131fs; shifts the reading frame from glycine 2131.
Molecular consequence: frameshift variant.
Genome position (GRCh38, 1-based): chr9:136,497,347, C deleted on the plus strand (G on the coding strand, the reverse complement: NOTCH1 is on the minus strand); the first of 6 consecutive C bases (chr9:136,497,347-136,497,352); deleting any one gives the same sequence. VCF-style (leftmost placement, unchanged base first): chr9-136497346-GC-G. GRCh37 (hg19) VCF-style: chr9-139391798-GC-G.
Other names: short protein forms G2131fs.
Identifiers: ClinVar variation 2990497 (VCV002990497.3), dbSNP rs1455334351, ClinGen allele CA591366867.
Genomic context (GRCh38, chr9:136,497,346, plus strand): 5'-GGGCTTGAGGCTGCCCAGGTAGCCGTTGGGCGAGCAGAGCGGGGGCGACAGGGTGGGCGT[GC>G]CCCCCAGCGGGGCTCCGTGCAGCTGCGGGCTGCGCACCAGGTTGTACTCGTCCAGCAGCC-3'